The following is an entry in ClinVar:

ClinVar aggregate classification (germline): Uncertain significance. Review status: criteria provided, multiple submitters, no conflicts (2 of 4 stars). 2 submissions from 2 submitters: Uncertain significance (2). Last evaluated 2022-08-22.

Conditions:
Nephronophthisis. Also called: Juvenile Nephronophthisis. Identifiers: Orphanet 655, MedGen C0687120, MONDO:0019005, HP:0000090.
Jeune thoracic dystrophy. Also called: Jeune syndrome; Infantile thoracic dystrophy; Thoracic pelvic phalangeal dystrophy; Jeune's syndrome; Chondroectodermal dysplasia-like syndrome; Short-rib thoracic dysplasia. Identifiers: Orphanet 474, MedGen C0265275, MONDO:0018770.

Submissions (2):

Labcorp Genetics (formerly Invitae), Labcorp
Classification: Uncertain significance for Jeune thoracic dystrophy; Nephronophthisis. Last evaluated: 2022-08-22. Review status: criteria provided, single submitter. Criteria: Invitae Variant Classification Sherloc (09022015). Collection method: clinical testing. Allele origin: germline.
Comment: In summary, the available evidence is currently insufficient to determine the role of this variant in disease. Therefore, it has been classified as a Variant of Uncertain Significance. Algorithms developed to predict the effect of missense changes on protein structure and function are either unavailable or do not agree on the potential impact of this missense change (SIFT: "Tolerated"; PolyPhen-2: "Possibly Damaging"; Align-GVGD: "Class C0"). ClinVar contains an entry for this variant (Variation ID: 1012957). This variant has not been reported in the literature in individuals affected with TTC21B-related conditions. This variant is not present in population databases (gnomAD no frequency). This sequence change replaces threonine, which is neutral and polar, with asparagine, which is neutral and polar, at codon 1115 of the TTC21B protein (p.Thr1115Asn).

CeGaT Center for Human Genetics Tuebingen
Classification: Uncertain significance. Last evaluated: 2021-01-01. Review status: criteria provided, single submitter. Criteria: CeGaT Center For Human Genetics Tuebingen Variant Classification Criteria Version 2. Collection method: clinical testing. Allele origin: germline. Affected: yes. Observed: 1 variant allele.

NM_024753.5(TTC21B):c.3344C>A (p.Thr1115Asn)

Gene: TTC21B (tetratricopeptide repeat domain 21B; minus strand). Cytogenetic location: 2q24.3.
Variant type: single nucleotide variant.
Coding change: c.3344C>A on transcript NM_024753.5 (MANE Select); coding-DNA position 3344, C replaced by A.
Protein change: p.Thr1115Asn; replaces threonine 1115 with asparagine.
Molecular consequence: missense variant.
Genome position (GRCh38, 1-based): chr2:165,888,394, G>T on the plus strand (C>A on the coding strand, the complement: TTC21B is on the minus strand). VCF-style: chr2-165888394-G-T. GRCh37 (hg19) VCF-style: chr2-166744904-G-T.
Other names: short protein forms T1115N.
Identifiers: ClinVar variation 1012957 (VCV001012957.42), dbSNP rs1307274284, ClinGen allele CA349047634.
Genomic context (GRCh38, chr2:165,888,394, plus strand): 5'-TGTTTGGTAGCCATTAAGCAATAGTTTTCCATTATGCGAAGCTGTACGTGACCCTGAACA[G>T]TCTGAGGTTTTAGTTCCTTAAGAAGTTTTTCTGCTGTTCTTACTGCCAGTTGCACAGATT-3'
Protein context (NP_079029.3, residues 1105-1125): EKLLKELKPQ[Thr1115Asn]VQGHVQLRIM